The following is an entry in ClinVar:

ClinVar aggregate classification (germline): Uncertain significance (1 of 4 stars; one submission).

Conditions:
Anterior segment dysgenesis. Also called: Ocular anterior segment dysgenesis. Identifiers: Orphanet 88632, MedGen C1862839, MONDO:0019503, HP:0007700.
Congenital primary aphakia. Also called: Anterior segment dysgenesis 2, multiple subtypes; ANTERIOR SEGMENT DYSGENESIS 2. Identifiers: Orphanet 83461, MedGen C1853230, MONDO:0012456, OMIM 610256.

Submission:

Labcorp Genetics (formerly Invitae), Labcorp
Classification: Uncertain significance for Anterior segment dysgenesis; Congenital primary aphakia. Last evaluated: 2025-09-10. Review status: criteria provided, single submitter. Criteria: Invitae Variant Classification Sherloc (09022015). Collection method: clinical testing. Allele origin: germline.
Comment: This sequence change replaces tyrosine, which is neutral and polar, with asparagine, which is neutral and polar, at codon 98 of the FOXE3 protein (p.Tyr98Asn). This variant is not present in population databases (gnomAD no frequency). This variant has not been reported in the literature in individuals affected with FOXE3-related conditions. Invitae Evidence Modeling of protein sequence and biophysical properties (such as structural, functional, and spatial information, amino acid conservation, physicochemical variation, residue mobility, and thermodynamic stability) has been performed for this missense variant. However, the output from this modeling did not meet the statistical confidence thresholds required to predict the impact of this variant on FOXE3 protein function. This variant disrupts the p.Tyr98 amino acid residue in FOXE3. Other variant(s) that disrupt this residue have been determined to be pathogenic (PMID: 20664696, 24019743). This suggests that this residue is clinically significant, and that variants that disrupt this residue are likely to be disease-causing. In summary, the available evidence is currently insufficient to determine the role of this variant in disease. Therefore, it has been classified as a Variant of Uncertain Significance.

Literature cited by the submitters: PubMed 20664696; PubMed 24019743.

NM_012186.3(FOXE3):c.292T>A (p.Tyr98Asn)

Genes: FOXE3 (forkhead box E3; plus strand), LINC01389 (long independently transcribed non-coding RNA 1389; minus strand). Cytogenetic location: 1p33.
Variant type: single nucleotide variant.
Coding change: c.292T>A on transcript NM_012186.3 (MANE Select); coding-DNA position 292, T replaced by A.
Protein change: p.Tyr98Asn; replaces tyrosine 98 with asparagine.
Molecular consequence: missense variant.
Genome position (GRCh38, 1-based): chr1:47,416,607, T>A. VCF-style: chr1-47416607-T-A. GRCh37 (hg19) VCF-style: chr1-47882279-T-A.
Other names: short protein forms Y98N.
Identifiers: ClinVar variation 4794016 (VCV004794016.1).